The following is an entry in ClinVar:

NM_198578.4(LRRK2):c.836T>C (p.Leu279Ser)

Gene: LRRK2 (leucine rich repeat kinase 2; plus strand). Cytogenetic location: 12q12.
Variant type: single nucleotide variant.
Coding change: c.836T>C on transcript NM_198578.4 (MANE Select); coding-DNA position 836, T replaced by C.
Protein change: p.Leu279Ser; replaces leucine 279 with serine.
Molecular consequence: missense variant.
Genome position (GRCh38, 1-based): chr12:40,243,679, T>C. VCF-style: chr12-40243679-T-C. GRCh37 (hg19) VCF-style: chr12-40637481-T-C.
Other names: short protein forms L279S.
Identifiers: ClinVar variation 2587303 (VCV002587303.2), dbSNP rs2499456591, ClinGen allele CA384406165.

ClinVar aggregate classification (germline): Uncertain significance (1 of 4 stars; one submission).

Conditions:
Inborn genetic diseases. Identifiers: MedGen C0950123, MeSH D030342.

Submission:

Ambry Genetics
Classification: Uncertain significance for Inborn genetic diseases. Last evaluated: 2023-09-05. Review status: criteria provided, single submitter. Criteria: Ambry Variant Classification Scheme 2023. Collection method: clinical testing. Allele origin: germline.
Comment: The p.L279S variant (also known as c.836T>C), located in coding exon 7 of the LRRK2 gene, results from a T to C substitution at nucleotide position 836. The leucine at codon 279 is replaced by serine, an amino acid with dissimilar properties. This amino acid position is conserved. In addition, the in silico prediction for this alteration is inconclusive. Since supporting evidence is limited at this time, the clinical significance of this alteration remains unclear.